The following is an entry in ClinVar:

NM_017436.7(A4GALT):c.109A>G (p.Met37Val)

Gene: A4GALT (alpha 1,4-galactosyltransferase (P1PK blood group); minus strand). Cytogenetic location: 22q13.2.
Variant type: single nucleotide variant.
Coding change: c.109A>G on transcript NM_017436.7 (MANE Select); coding-DNA position 109, A replaced by G.
Protein change: p.Met37Val; replaces methionine 37 with valine.
Molecular consequence: missense variant.
Genome position (GRCh38, 1-based): chr22:42,693,843, T>C on the plus strand (A>G on the coding strand, the complement: A4GALT is on the minus strand). VCF-style: chr22-42693843-T-C. GRCh37 (hg19) VCF-style: chr22-43089849-T-C.
Other names: c.109A>G, p.Met37Val (NM_001318038.3); c.109A>G (NM_017436.5); short protein forms M37V.
Identifiers: ClinVar variation 1529533 (VCV001529533.11), dbSNP rs11541159, ClinGen allele CA10270383.
Genomic context (GRCh38, chr22:42,693,843, plus strand): 5'-CTGGCAGGTTATAGAGCTGCCCTTTCTCCTTGGGCTCTCCCACAACGTGCCAGTAGATCA[T>C]GATGGAGACGAAAAACGTGAACTTGAAGCCGATGATGAACAGGGTGCAGACCCGCTGCCT-3'
Protein context (NP_059132.1, residues 27-47): GFKFTFFVSI[Met37Val]IYWHVVGEPK

ClinVar aggregate classification (germline): Benign. Review status: criteria provided, multiple submitters, no conflicts (2 of 4 stars). 3 submissions from 3 submitters: Benign (2). 1 of the submissions does not count toward it. Last evaluated 2026-02-03.

Conditions:
A4GALT-related disorder. Also called: A4GALT-related condition.

Allele frequency attached by ClinVar (database versions not stated): gnomAD 0.38666 and 0.39172; ExAC 0.38672; TOPMed 0.39425; 1000 Genomes Project 30x 0.35696; gnomAD exomes 0.35898 and 0.34915; 1000 Genomes Project 0.35064; ESP Exome Variant Server 0.40440.
gnomAD v4.1: 581,152 of 1,607,986 alleles (36%); highest among the groups gnomAD compares: African/African-American, 48%; 107,592 homozygotes.

Submissions (3):

Labcorp Genetics (formerly Invitae), Labcorp
Classification: Benign. Last evaluated: 2026-02-03. Review status: criteria provided, single submitter. Criteria: Invitae Variant Classification Sherloc (09022015). Collection method: clinical testing. Allele origin: germline.

Breakthrough Genomics
Classification: Benign. Review status: criteria provided, single submitter. Criteria: ACMG Guidelines, 2015. Collection method: not provided. Allele origin: germline. Inheritance: Unknown mechanism. Affected: yes.

PreventionGenetics, part of Exact Sciences
Classification: Benign for A4GALT-related condition. Last evaluated: 2019-10-17. Review status: no assertion criteria provided. Collection method: clinical testing. Allele origin: germline. Not counted in ClinVar's aggregate classification.
Comment: This variant is classified as benign based on ACMG/AMP sequence variant interpretation guidelines (Richards et al. 2015 PMID: 25741868, with internal and published modifications).